The following is an entry in ClinVar:

ClinVar aggregate classification (germline): Uncertain significance. Review status: criteria provided, multiple submitters, no conflicts (2 of 4 stars). 9 submissions from 8 submitters: Uncertain significance (9). Last evaluated 2026-02-17.

Conditions:
Hypertrophic cardiomyopathy 4. Also called: Familial hypertrophic cardiomyopathy 4. Identifiers: MedGen C1861862, MONDO:0007268, OMIM 115197.
Hypertrophic cardiomyopathy. Also called: HYPERTROPHIC MYOCARDIOPATHY. Identifiers: Orphanet 217569, MedGen C0007194, MeSH D002312, MONDO:0005045, HP:0001639.
Cardiovascular phenotype. Identifiers: MedGen CN230736.
Left ventricular noncompaction 10 (LVNC10). Identifiers: Orphanet 154, Orphanet 54260, MedGen C3715165, MONDO:0014163, OMIM 615396.
Cardiomyopathy (CMYO). Also called: Cardiomyopathies. Identifiers: Orphanet 167848, MedGen C0878544, MONDO:0004994, HP:0001638. Inheritance: Various modes of inheritance.

Allele frequency attached by ClinVar (database versions not stated): ExAC 0.00001; gnomAD exomes 0.00001; gnomAD 0.00002; TOPMed 0.00002.
gnomAD v4.1: 13 of 1,609,844 alleles (0.00081%); highest among the groups gnomAD compares: Middle Eastern, 0.016%; no homozygotes.

Submissions (9):

Ambry Genetics
Classification: Uncertain significance for Cardiovascular phenotype. Last evaluated: 2026-02-17. Review status: criteria provided, single submitter. Criteria: Ambry Variant Classification Scheme 2023. Collection method: clinical testing. Allele origin: germline.
Comment: The p.R1033W variant (also known as c.3097C>T), located in coding exon 29 of the MYBPC3 gene, results from a C to T substitution at nucleotide position 3097. The arginine at codon 1033 is replaced by tryptophan, an amino acid with dissimilar properties. This variant was reported in individual(s) with features consistent with hypertrophic cardiomyopathy (Zou Y et al. Mol Biol Rep, 2013 Jun;40:3969-76; Lin Y et al. Circ Cardiovasc Genet, 2017 Dec;10; Bonaventura J et al. Arch Med Sci, 2019 May;15:641-649; Sepp R et al. Diagnostics (Basel), 2022 May;12; McGurk KA et al. Am J Hum Genet, 2023 Sep;110:1482-1495; Ambry internal data). This amino acid position is highly conserved in available vertebrate species. In addition, this alteration is predicted to be deleterious by in silico analysis. Based on the available evidence, the clinical significance of this variant remains unclear.

Labcorp Genetics (formerly Invitae), Labcorp
Classification: Uncertain significance for Hypertrophic cardiomyopathy. Last evaluated: 2024-08-04. Review status: criteria provided, single submitter. Criteria: Invitae Variant Classification Sherloc (09022015). Collection method: clinical testing. Allele origin: germline.
Comment: This sequence change replaces arginine, which is basic and polar, with tryptophan, which is neutral and slightly polar, at codon 1033 of the MYBPC3 protein (p.Arg1033Trp). This variant is present in population databases (rs748909815, gnomAD 0.007%). This missense change has been observed in individual(s) with hypertrophic cardiomyopathy or who suffered a sudden unexplained death (PMID: 23283745, 29247119, 35626289, 37652022; Invitae). ClinVar contains an entry for this variant (Variation ID: 426272). An algorithm developed to predict the effect of missense changes on protein structure and function (PolyPhen-2) suggests that this variant is likely to be disruptive. This variant disrupts the p.Arg1033 amino acid residue in MYBPC3. Other variant(s) that disrupt this residue have been observed in individuals with MYBPC3-related conditions (PMID: 33658040; Invitae), which suggests that this may be a clinically significant amino acid residue. In summary, the available evidence is currently insufficient to determine the role of this variant in disease. Therefore, it has been classified as a Variant of Uncertain Significance.

Blueprint Genetics
Classification: Uncertain significance. Last evaluated: 2024-07-05. Review status: criteria provided, single submitter. Criteria: ACMG Guidelines, 2015. Collection method: clinical testing. Allele origin: germline.

All of Us Research Program, National Institutes of Health
Classification: Uncertain significance for Hypertrophic cardiomyopathy. Last evaluated: 2023-10-06. Review status: criteria provided, single submitter. Criteria: ACMG Guidelines, 2015. Collection method: clinical testing. Allele origin: germline. Inheritance: Autosomal dominant inheritance. Observed: 2 variant alleles, 2 heterozygotes.
Comment: This missense variant replaces arginine with tryptophan at codon 1033 of the MYBPC3 protein. Computational prediction suggests that this variant may have deleterious impact on protein structure and function (internally defined REVEL score threshold >= 0.7, PMID: 27666373). To our knowledge, functional studies have not been reported for this variant. This variant has been reported in two individuals with sudden unexplained death (PMID: 23283745, 29247119). One of these individuals were determined to have cardiac hypertrophy at autopsy (PMID: 29247119). This variant has been identified in 3/246342 chromosomes in the general population by the Genome Aggregation Database (gnomAD). The available evidence is insufficient to determine the role of this variant in disease conclusively. Therefore, this variant is classified as a Variant of Uncertain Significance.

This study involves interpretation of variants in research participants for the purpose of population health screening. Participant phenotype was not available at the time of variant classification. Additional details can be found in publication PMID: 35346344, PMCID: PMC8962531

Color Diagnostics, LLC DBA Color Health
Classification: Uncertain significance for Cardiomyopathy. Last evaluated: 2023-09-22. Review status: criteria provided, single submitter. Criteria: ACMG Guidelines, 2015. Collection method: clinical testing. Allele origin: germline.
Comment: This missense variant replaces arginine with tryptophan at codon 1033 of the MYBPC3 protein. Computational prediction suggests that this variant may have deleterious impact on protein structure and function (internally defined REVEL score threshold >= 0.7, PMID: 27666373). To our knowledge, functional studies have not been reported for this variant. This variant has been reported in two individuals with sudden unexplained death (PMID: 23283745, 29247119). One of these individuals were determined to have cardiac hypertrophy at autopsy (PMID: 29247119). This variant has been identified in 3/246342 chromosomes in the general population by the Genome Aggregation Database (gnomAD). The available evidence is insufficient to determine the role of this variant in disease conclusively. Therefore, this variant is classified as a Variant of Uncertain Significance.

GeneDx
Classification: Uncertain significance. Last evaluated: 2022-09-27. Review status: criteria provided, single submitter. Criteria: GeneDx Variant Classification Process June 2021. Collection method: clinical testing. Allele origin: germline. Affected: yes.
Comment: Not observed at significant frequency in large population cohorts (gnomAD); In silico analysis supports that this missense variant has a deleterious effect on protein structure/function; This variant is associated with the following publications: (PMID: 23283745, 29247119)

Victorian Clinical Genetics Services, Murdoch Childrens Research Institute
Classification: Uncertain significance for Hypertrophic cardiomyopathy 4. Last evaluated: 2021-05-06. Review status: criteria provided, single submitter. Criteria: ACMG Guidelines, 2015. Collection method: clinical testing. Allele origin: germline. Inheritance: Autosomal dominant inheritance. Affected: yes.
Comment: Based on the classification scheme VCGS_Germline_v1.3.4, this variant is classified as VUS-3A. Following criteria are met: 0102 - Loss of function is a known mechanism of disease in this gene and is associated with hypertrophic cardiomyopathy 4 (MIM#115197). (I) 0108 - This gene is associated with both recessive and dominant disease. Dominant inheritance is frequently reported in adult onset conditions, however recessive inheritance results in a more severe early onset phenotype (OMIM). (I) 0200 - Variant is predicted to result in a missense amino acid change from arginine to tryptophan. (I) 0251 - This variant is heterozygous. (I) 0304 - Variant is present in gnomAD (v2) <0.01 (3 heterozygotes, 0 homozygotes). (SP) 0309 - An alternative amino acid change at the same position has been observed in gnomAD (v2) (2 heterozygotes, 0 homozygotes). (I) 0501 - Missense variant consistently predicted to be damaging by multiple in silico tools or highly conserved with a major amino acid change. (SP) 0600 - Variant is located in the annotated immunoglobulin (Ig)-like domain (NCBI, UniProt). (I) 0708 - Another missense variant comparable to the one identified in this case has conflicting previous evidence for pathogenicity. An alternate change to glutamine at the same residue has previously been reported in at least nine individuals with a relevant cardiac phenotype, predominantly for HCM. The variant has been described as likely pathogenic, however more frequently it is classified as a VUS (Atlas of Cardiac Genetic Variation, ClinVar, HGMD, LOVD, PMIDs: 20474083, 27532257, 28771489 & 29121657). (I) 0808 - Previous reports of pathogenicity for this variant are conflicting. The variant has previously been reported in at least seven individuals with a relevant cardiac phenotype, predominantly for HCM. It has been described as pathogenic, however the majority of classifications are VUS (ClinVar, HGMD, PMIDs: 22958901, 23283745, 25132132, 28840316, 29247119 & 29687901). (I) 0905 - No published segregation evidence has been identified for this variant. (I) 1007 - No published functional evidence has been identified for this variant. (I) 1208 - Inheritance information for this variant is not currently available in this individual. (I) Legend: (SP) - Supporting pathogenic, (I) - Information, (SB) - Supporting benign

Illumina Laboratory Services, Illumina
Classification: Uncertain significance for Hypertrophic cardiomyopathy 4. Last evaluated: 2017-04-27. Review status: criteria provided, single submitter. Criteria: ICSL Variant Classification Criteria 13 December 2019. Collection method: clinical testing. Allele origin: germline.
Comment: This variant was observed as part of a predisposition screen in an ostensibly healthy population. A literature search was performed for the gene, cDNA change, and amino acid change (where applicable). Publications were found based on this search. However, the evidence from the literature, in combination with allele frequency data from public databases where available, was not sufficient to rule this variant in or out of causing disease. Therefore, this variant is classified as a variant of unknown significance.

Illumina Laboratory Services, Illumina
Classification: Uncertain significance for Left ventricular noncompaction 10. Last evaluated: 2017-04-27. Review status: criteria provided, single submitter. Criteria: ICSL Variant Classification Criteria 13 December 2019. Collection method: clinical testing. Allele origin: germline.

Literature cited by the submitters: PubMed 23283745 (cited by 6 submitters); PubMed 29247119 (cited by 5 submitters); PubMed 31110529 (cited by Ambry Genetics); PubMed 35626289 (cited by Ambry Genetics and Labcorp Genetics (formerly Invitae), Labcorp); PubMed 37652022 (cited by Ambry Genetics and Labcorp Genetics (formerly Invitae), Labcorp); PubMed 33658040 (cited by Labcorp Genetics (formerly Invitae), Labcorp); PubMed 20474083 (cited by Victorian Clinical Genetics Services, Murdoch Childrens Research Institute); PubMed 22958901 (cited by Victorian Clinical Genetics Services, Murdoch Childrens Research Institute); PubMed 25132132 (cited by Victorian Clinical Genetics Services, Murdoch Childrens Research Institute); PubMed 27532257 (cited by Victorian Clinical Genetics Services, Murdoch Childrens Research Institute); PubMed 28771489 (cited by Victorian Clinical Genetics Services, Murdoch Childrens Research Institute); PubMed 28840316 (cited by Victorian Clinical Genetics Services, Murdoch Childrens Research Institute); PubMed 29121657 (cited by Victorian Clinical Genetics Services, Murdoch Childrens Research Institute); PubMed 29687901 (cited by Victorian Clinical Genetics Services, Murdoch Childrens Research Institute).

NM_000256.3(MYBPC3):c.3097C>T (p.Arg1033Trp)

Gene: MYBPC3 (myosin binding protein C3; minus strand). Cytogenetic location: 11p11.2.
Variant type: single nucleotide variant.
Coding change: c.3097C>T on transcript NM_000256.3 (MANE Select); coding-DNA position 3097, C replaced by T.
Protein change: p.Arg1033Trp; replaces arginine 1033 with tryptophan.
Molecular consequence: missense variant.
Genome position (GRCh38, 1-based): chr11:47,333,650, G>A on the plus strand (C>T on the coding strand, the complement: MYBPC3 is on the minus strand). VCF-style: chr11-47333650-G-A. GRCh37 (hg19) VCF-style: chr11-47355201-G-A.
Other names: c.3097C>T, p.Arg1033Trp (LRG_386t1); short protein forms R1033W.
Identifiers: ClinVar variation 426272 (VCV000426272.25), dbSNP rs748909815, ClinGen allele CA079120.